The following is an entry in ClinVar:

ClinVar aggregate classification (germline): Uncertain significance (1 of 4 stars; one submission).

Conditions:
Coffin-Siris syndrome 1 (CSS1). Also called: Mental retardation, autosomal dominant 12; ARID1B-Related Coffin-Siris Syndrome. Identifiers: Orphanet 1465, MedGen C3281201, MONDO:0007617, OMIM 135900. Disease mechanism: gain of function.

Submission:

Laboratorio de Genetica e Diagnostico Molecular, Hospital Israelita Albert Einstein
Classification: Uncertain significance for Coffin-Siris syndrome 1. Last evaluated: 2024-11-17. Review status: criteria provided, single submitter. Criteria: ACMG Guidelines, 2015. Collection method: clinical testing. Allele origin: germline. Affected: yes.
Comment: ACMG classification criteria: PM2 supporting, BP4 supporting

NM_001374828.1(ARID1B):c.4390C>T (p.Pro1464Ser)

Gene: ARID1B (AT-rich interaction domain 1B; plus strand). Cytogenetic location: 6q25.3.
Variant type: single nucleotide variant.
Coding change: c.4390C>T on transcript NM_001374828.1 (MANE Select); coding-DNA position 4390, C replaced by T.
Protein change: p.Pro1464Ser; replaces proline 1464 with serine.
Molecular consequence: missense variant.
Genome position (GRCh38, 1-based): chr6:157,198,818, C>T. VCF-style: chr6-157198818-C-T. GRCh37 (hg19) VCF-style: chr6-157519952-C-T.
Other names: c.1891C>T, p.Pro631Ser (NM_001363725.2); c.4270C>T, p.Pro1424Ser (NM_001371656.1, NM_001374820.1); c.4231C>T, p.Pro1411Ser (NM_017519.3); short protein forms P1411S, P1424S, P1464S, P631S.
Identifiers: ClinVar variation 3901078 (VCV003901078.1).